The following is an entry in ClinVar:

NM_001042545.2(LTBP4):c.2907C>T (p.Asp969=)

Gene: LTBP4 (latent transforming growth factor beta binding protein 4; plus strand). Cytogenetic location: 19q13.2.
Variant type: single nucleotide variant.
Coding change: c.2907C>T on transcript NM_001042545.2 (MANE Select); coding-DNA position 2907, C replaced by T.
Protein change: p.Asp969=; no amino-acid change (aspartic acid 969 retained).
Molecular consequence: synonymous variant.
Genome position (GRCh38, 1-based): chr19:40,616,983, C>T. VCF-style: chr19-40616983-C-T. GRCh37 (hg19) VCF-style: chr19-41122889-C-T.
Other names: c.3108C>T, p.Asp1036= (NM_001042544.1); c.2997C>T, p.Asp999= (NM_003573.2).
Identifiers: ClinVar variation 4982038 (VCV004982038.1).

ClinVar aggregate classification (germline): Likely benign (1 of 4 stars; one submission).

Conditions:
LTBP4-related disorder. Also called: LTBP4-related condition.

gnomAD v4.1: 3 of 1,613,852 alleles (0.00019%); highest among the groups gnomAD compares: African/African-American, 0.0027%; no homozygotes.

Submission:

PreventionGenetics, part of Exact Sciences
Classification: Likely benign for LTBP4-related condition. Last evaluated: 2024-11-09. Review status: criteria provided, single submitter. Criteria: ACMG Guidelines, 2015. Collection method: clinical testing. Allele origin: germline.
Comment: This variant is classified as likely benign based on ACMG/AMP sequence variant interpretation guidelines (Richards et al. 2015 PMID: 25741868, with internal and published modifications).